The following is an entry in ClinVar:

ClinVar aggregate classification (germline): Benign/Likely benign. Review status: criteria provided, multiple submitters, no conflicts (2 of 4 stars). 4 submissions from 4 submitters: Benign (1); Likely benign (3). Last evaluated 2025-08-18.

Conditions:
Hereditary cancer-predisposing syndrome. Also called: Neoplastic Syndromes, Hereditary; Tumor predisposition; Hereditary Cancer Syndrome; Hereditary neoplastic syndrome. Identifiers: Orphanet 140162, MedGen C0027672, MeSH D009386, MONDO:0015356.
Familial cancer of breast. Also called: hereditary breast carcinoma; BREAST CANCER, FAMILIAL; Hereditary breast cancer. Identifiers: Orphanet 227535, MedGen C0346153, MONDO:0016419, OMIM 114480. Disease mechanism: loss of function.
Ataxia-telangiectasia syndrome (AT). Also called: ATAXIA-TELANGIECTASIA, COMPLEMENTATION GROUP A; ATAXIA-TELANGIECTASIA, FRESNO VARIANT; Ataxia-telangiectasia; Ataxia-telangiectasia, complementation group D; AT, COMPLEMENTATION GROUP C; Ataxia-telangiectasia, complementation group E. Identifiers: Orphanet 100, MedGen C0004135, MONDO:0008840, OMIM 208900.

Submissions (4):

Labcorp Genetics (formerly Invitae), Labcorp
Classification: Likely benign for Ataxia-telangiectasia syndrome. Last evaluated: 2025-08-18. Review status: criteria provided, single submitter. Criteria: Invitae Variant Classification Sherloc (09022015). Collection method: clinical testing. Allele origin: germline.

Myriad Genetics, Inc.
Classification: Benign for Familial cancer of breast. Last evaluated: 2024-05-14. Review status: criteria provided, single submitter. Criteria: Myriad Autosomal Dominant, Autosomal Recessive and X-Linked Classification Criteria (2023). Collection method: clinical testing. Allele origin: unknown.
Comment: This variant is considered benign. This variant is a silent/synonymous amino acid change and it is not expected to impact splicing.

Ambry Genetics
Classification: Likely benign for Hereditary cancer-predisposing syndrome. Last evaluated: 2020-11-16. Review status: criteria provided, single submitter. Criteria: Ambry Variant Classification Scheme 2023. Collection method: clinical testing. Allele origin: germline.

GeneDx
Classification: Likely benign. Last evaluated: 2017-03-29. Review status: criteria provided, single submitter. Criteria: GeneDx Variant Classification (06012015). Collection method: clinical testing. Allele origin: germline. Affected: yes.
Comment: This variant is considered likely benign or benign based on one or more of the following criteria: it is a conservative change, it occurs at a poorly conserved position in the protein, it is predicted to be benign by multiple in silico algorithms, and/or has population frequency not consistent with disease.

NM_000051.4(ATM):c.3463C>T (p.Leu1155=)

Gene: ATM (ATM serine/threonine kinase; plus strand). Cytogenetic location: 11q22.3.
Variant type: single nucleotide variant.
Coding change: c.3463C>T on transcript NM_000051.4 (MANE Select); coding-DNA position 3463, C replaced by T.
Protein change: p.Leu1155=; no amino-acid change (leucine 1155 retained).
Molecular consequence: synonymous variant.
Genome position (GRCh38, 1-based): chr11:108,281,055, C>T. VCF-style: chr11-108281055-C-T. GRCh37 (hg19) VCF-style: chr11-108151782-C-T.
Other names: c.3463C>T, p.Leu1155= (NM_001351834.2).
Identifiers: ClinVar variation 516999 (VCV000516999.13), dbSNP rs1555091217, ClinGen allele CA476672828.